The following is an entry in ClinVar:

NM_001351132.2(PEX5):c.1561-2A>G

Gene: PEX5 (peroxisomal biogenesis factor 5; plus strand). Cytogenetic location: 12p13.31.
Variant type: single nucleotide variant.
Coding change: c.1561-2A>G on transcript NM_001351132.2 (MANE Select); the canonical splice acceptor site of the intron before coding-DNA position 1561, A replaced by G.
Molecular consequence: splice acceptor variant.
Genome position (GRCh38, 1-based): chr12:7,209,681, A>G. VCF-style: chr12-7209681-A-G. GRCh37 (hg19) VCF-style: chr12-7362277-A-G.
Other names: c.1450-2A>G (NM_001351124.3, NM_001351126.2, NM_001374646.1 and 7 more transcripts); c.1561-2A>G (NM_001131026.2, NM_001351131.2, NM_001374647.2 and 4 more transcripts); c.1426-2A>G (NM_001374649.2, NM_001351140.2, NM_001351139.2); c.1495-2A>G (NM_001351135.3, NM_001351138.2); c.1606-2A>G (NM_001131023.2); c.1552-2A>G (NM_001351136.2); c.1537-2A>G (NM_000319.5).
Identifiers: ClinVar variation 1512385 (VCV001512385.8), dbSNP rs2136254229, ClinGen allele CA383737554.

ClinVar aggregate classification (germline): Likely pathogenic (1 of 4 stars; one submission).

Conditions:
Peroxisome biogenesis disorder 2B (PBD2B). Identifiers: Orphanet 44, MedGen C3550234, MONDO:0008736, OMIM 202370.

Submission:

Labcorp Genetics (formerly Invitae), Labcorp
Classification: Likely pathogenic for Peroxisome biogenesis disorder 2B. Last evaluated: 2022-04-28. Review status: criteria provided, single submitter. Criteria: Invitae Variant Classification Sherloc (09022015). Collection method: clinical testing. Allele origin: germline.
Comment: This sequence change affects an acceptor splice site in intron 14 of the PEX5 gene. It is expected to disrupt RNA splicing. Variants that disrupt the donor or acceptor splice site typically lead to a loss of protein function (PMID: 16199547), and loss-of-function variants in PEX5 are known to be pathogenic (PMID: 18712838, 21031596). This variant is not present in population databases (gnomAD no frequency). Disruption of this splice site has been observed in individual(s) with Zellweger syndrome (PMID: 18712838). Algorithms developed to predict the effect of sequence changes on RNA splicing suggest that this variant may disrupt the consensus splice site. In summary, the currently available evidence indicates that the variant is pathogenic, but additional data are needed to prove that conclusively. Therefore, this variant has been classified as Likely Pathogenic.

Literature cited by the submitters: PubMed 16199547; PubMed 18712838; PubMed 21031596.